The following is an entry in ClinVar:

ClinVar aggregate classification (germline): Likely pathogenic (1 of 4 stars; one submission).

Conditions:
Schimke immuno-osseous dysplasia (SIOD). Also called: Schimke Immunoosseous Dysplasia. Identifiers: Orphanet 1830, MedGen C0877024, MONDO:0009458, OMIM 242900.

Submission:

Labcorp Genetics (formerly Invitae), Labcorp
Classification: Likely pathogenic for Schimke immuno-osseous dysplasia. Last evaluated: 2023-01-30. Review status: criteria provided, single submitter. Criteria: Invitae Variant Classification Sherloc (09022015). Collection method: clinical testing. Allele origin: unknown.
Comment: In summary, the currently available evidence indicates that the variant is pathogenic, but additional data are needed to prove that conclusively. Therefore, this variant has been classified as Likely Pathogenic. This variant has not been reported in the literature in individuals affected with SMARCAL1-related conditions. This variant results in the deletion of part of exon 10 (c.1683_1711-2746del) of the SMARCAL1 gene. It is expected to disrupt RNA splicing. Variants that disrupt the donor or acceptor splice site typically lead to a loss of protein function (PMID: 16199547), and loss-of-function variants in SMARCAL1 are known to be pathogenic (PMID: 11799392, 20301550).

Literature cited by the submitters: PubMed 16199547; PubMed 11799392; PubMed 20301550.

NC_000002.11:g.(?_217303181)_(217308995_?)del

Gene: SMARCAL1 (SNF2 related chromatin remodeling annealing helicase 1; plus strand). Cytogenetic location: 2q35.
Variant type: Deletion.
Identifiers: ClinVar variation 3247223 (VCV003247223.1).